The following is an entry in ClinVar:

NM_020207.7(ERCC6L2):c.4507T>A (p.Cys1503Ser)

Gene: ERCC6L2 (ERCC excision repair 6 like 2; plus strand). Cytogenetic location: 9q22.32.
Variant type: single nucleotide variant.
Coding change: c.4507T>A on transcript NM_020207.7 (MANE Select); coding-DNA position 4507, T replaced by A.
Protein change: p.Cys1503Ser; replaces cysteine 1503 with serine.
Molecular consequence: missense variant. On other transcripts: non-coding transcript variant (1), intron variant (2).
Genome position (GRCh38, 1-based): chr9:96,013,057, T>A. VCF-style: chr9-96013057-T-A. GRCh37 (hg19) VCF-style: chr9-98775339-T-A.
Other names: c.3674+8356T>A (NM_001375291.1, NM_001375292.1); short protein forms C1503S.
Identifiers: ClinVar variation 1483989 (VCV001483989.6), dbSNP rs374112204, ClinGen allele CA5140117.

ClinVar aggregate classification (germline): Uncertain significance. Review status: criteria provided, multiple submitters, no conflicts (2 of 4 stars). 2 submissions from 2 submitters: Uncertain significance (2). Last evaluated 2024-10-01.

Allele frequency attached by ClinVar (database versions not stated): ExAC 0.00001; gnomAD 0.00001; gnomAD exomes 0.00001 and 0.00002; TOPMed 0.00002; ESP Exome Variant Server 0.00008.
gnomAD v4.1: 26 of 1,367,530 alleles (0.0019%); highest among the groups gnomAD compares: Non-Finnish European, 0.0025%; no homozygotes.

Submissions (2):

Blueprint Genetics
Classification: Uncertain significance. Last evaluated: 2024-10-01. Review status: criteria provided, single submitter. Criteria: ACMG Guidelines, 2015. Collection method: clinical testing. Allele origin: germline.

Labcorp Genetics (formerly Invitae), Labcorp
Classification: Uncertain significance. Last evaluated: 2022-06-14. Review status: criteria provided, single submitter. Criteria: Invitae Variant Classification Sherloc (09022015). Collection method: clinical testing. Allele origin: germline.
Comment: This sequence change replaces cysteine, which is neutral and slightly polar, with serine, which is neutral and polar, at codon 1514 of the ERCC6L2 protein (p.Cys1514Ser). This variant is present in population databases (rs374112204, gnomAD 0.003%). This variant has not been reported in the literature in individuals affected with ERCC6L2-related conditions. Algorithms developed to predict the effect of missense changes on protein structure and function are either unavailable or do not agree on the potential impact of this missense change (SIFT: "Deleterious"; PolyPhen-2: "Not Available"; Align-GVGD: "Class C0"). In summary, the available evidence is currently insufficient to determine the role of this variant in disease. Therefore, it has been classified as a Variant of Uncertain Significance.